The following is an entry in ClinVar:

ClinVar aggregate classification (germline): Conflicting classifications of pathogenicity. Review status: criteria provided, conflicting classifications (1 of 4 stars). 3 submissions from 2 submitters: Uncertain significance (1); Benign (1); Likely benign (1). Last evaluated 2023-09-17.

Conditions:
Metaphyseal anadysplasia. Also called: Early-onset regressive form of metaphyseal dysplasia. Identifiers: Orphanet 1040, MedGen C0432226, MONDO:0015177.
Spondyloepimetaphyseal dysplasia, Missouri type. Identifiers: Orphanet 1040, Orphanet 93356, MedGen C1865832, MONDO:0011198, OMIM 602111.

Allele frequency attached by ClinVar (database versions not stated): gnomAD 0.00002 and 0.00005; gnomAD exomes 0.00005 and 0.00012; TOPMed 0.00006; ExAC 0.00014; 1000 Genomes Project 0.00020; 1000 Genomes Project 30x 0.00031.
gnomAD v4.1: 73 of 1,614,026 alleles (0.0045%); highest among the groups gnomAD compares: East Asian, 0.16%; no homozygotes.

Submissions (3):

Labcorp Genetics (formerly Invitae), Labcorp
Classification: Likely benign. Last evaluated: 2023-09-17. Review status: criteria provided, single submitter. Criteria: Invitae Variant Classification Sherloc (09022015). Collection method: clinical testing. Allele origin: germline.

Illumina Laboratory Services, Illumina
Classification: Uncertain significance for Spondyloepimetaphyseal dysplasia, Missouri type. Last evaluated: 2018-01-12. Review status: criteria provided, single submitter. Criteria: ICSL Variant Classification Criteria 13 December 2019. Collection method: clinical testing. Allele origin: germline.

Illumina Laboratory Services, Illumina
Classification: Benign for Metaphyseal anadysplasia. Last evaluated: 2018-01-12. Review status: criteria provided, single submitter. Criteria: ICSL Variant Classification Criteria 13 December 2019. Collection method: clinical testing. Allele origin: germline.
Comment: This variant was observed in the ICSL laboratory as part of a predisposition screen in an ostensibly healthy population. It had not been previously curated by ICSL or reported in the Human Gene Mutation Database (HGMD: prior to June 1st, 2018), and was therefore a candidate for classification through an automated scoring system. Utilizing variant allele frequency, disease prevalence and penetrance estimates, and inheritance mode, an automated score was calculated to assess if this variant is too frequent to cause the disease. Based on the score and internal cut-off values, a variant classified as benign is not then subjected to further curation. The score for this variant resulted in a classification of benign for this disease.

NM_002427.4(MMP13):c.138C>T (p.Tyr46=)

Genes: MMP13 (matrix metallopeptidase 13; minus strand), LOC126861318 (BRD4-independent group 4 enhancer GRCh37_chr11:102825894-102827093; plus strand). Cytogenetic location: 11q22.2.
Variant type: single nucleotide variant.
Coding change: c.138C>T on transcript NM_002427.4 (MANE Select); coding-DNA position 138, C replaced by T.
Protein change: p.Tyr46=; no amino-acid change (tyrosine 46 retained).
Molecular consequence: synonymous variant.
Genome position (GRCh38, 1-based): chr11:102,955,476, G>A on the plus strand (C>T on the coding strand, the complement: MMP13 is on the minus strand). VCF-style: chr11-102955476-G-A. GRCh37 (hg19) VCF-style: chr11-102826205-G-A.
Identifiers: ClinVar variation 301991 (VCV000301991.9), dbSNP rs200537937, ClinGen allele CA6252054.
Genomic context (GRCh38, chr11:102,955,476, plus strand): 5'-CTCAGTCATGGAGCTTGCTGCATTCTCCTTCAGGATTCCCGCGAGATTTGTAGGATGGTA[G>A]TATGATCTCAGGTAGCGCTAGAAAAGACACCAAAATGAACTGCGTTTAAAAGAGAAGGAC-3'
Protein context (NP_002418.1, residues 36-56): LQFAERYLRS[Tyr46=]YHPTNLAGIL